The following is an entry in ClinVar:

ClinVar aggregate classification (germline): Uncertain significance (1 of 4 stars; one submission).

gnomAD v4.1: 1 of 1,614,094 alleles (0.000062%); highest among the groups gnomAD compares: East Asian, 0.0022%; no homozygotes.

Submission:

GeneDx
Classification: Uncertain significance. Last evaluated: 2019-03-30. Review status: criteria provided, single submitter. Criteria: GeneDx Variant Classification Process June 2021. Collection method: clinical testing. Allele origin: germline. Affected: yes.
Comment: Has not been previously published as pathogenic or benign to our knowledge; Not observed in large population cohorts (Lek et al., 2016); In silico analysis, which includes protein predictors and evolutionary conservation, supports a deleterious effect

NM_001042424.3(NSD2):c.2272C>T (p.Arg758Cys)

Gene: NSD2 (nuclear receptor binding SET domain protein 2; plus strand). Cytogenetic location: 4p16.3.
Variant type: single nucleotide variant.
Coding change: c.2272C>T on transcript NM_001042424.3 (MANE Select); coding-DNA position 2272, C replaced by T.
Protein change: p.Arg758Cys; replaces arginine 758 with cysteine.
Molecular consequence: missense variant.
Genome position (GRCh38, 1-based): chr4:1,953,458, C>T. VCF-style: chr4-1953458-C-T. GRCh37 (hg19) VCF-style: chr4-1955185-C-T.
Other names: c.2272C>T, p.Arg758Cys (NM_133330.3, NM_133331.3, NM_133335.4); short protein forms R758C.
Identifiers: ClinVar variation 1304765 (VCV001304765.2), dbSNP rs1329886619, ClinGen allele CA355986948.
Genomic context (GRCh38, chr4:1,953,458, plus strand): 5'-TTTTACCATGAGGCTTGTGTGAAAAAATACCCTCTGACTGTATTTGAGAGCCGAGGTTTC[C>T]GCTGCCCCCTCCACAGCTGTGTGAGCTGCCATGCTTCCAACCCTTCAAACCCAAGGCCGT-3'
Protein context (NP_001035889.1, residues 748-768): PLTVFESRGF[Arg758Cys]CPLHSCVSCH